The following is an entry in ClinVar:

ClinVar aggregate classification (germline): Uncertain significance (1 of 4 stars; one submission).

Conditions:
Intellectual developmental disorder, autosomal dominant 46. Also called: MENTAL RETARDATION, AUTOSOMAL DOMINANT 46; Intellectual disability, autosomal dominant 46. Identifiers: MedGen C4539851, MONDO:0030911, OMIM 617601.

gnomAD v4.1: 2 of 1,612,282 alleles (0.00012%); highest among the groups gnomAD compares: Non-Finnish European, 0.00017%; no homozygotes.

Submission:

Clinical Genomics Laboratory, Washington University in St. Louis
Classification: Uncertain significance for Intellectual developmental disorder, autosomal dominant 46. Last evaluated: 2024-06-03. Review status: criteria provided, single submitter. Criteria: ACMG Guidelines, 2015. Collection method: clinical testing. Allele origin: germline.
Comment: The KCNQ5 c.359A>C (p.Glu120Ala) variant, to our knowledge, has not been reported in the medical literature and is absent from the general population (gnomAD v.2.1.1), indicating it is not a common variant. This amino acid is not predicted to be in a functional domain, but is predicted to be located in a beta helix (protvar), and computational predictors indicate that the variant is damaging, evidence that correlates with impact to KCNQ5 function. Due to limited information, and based on ACMG/AMP guidelines for variant interpretation (Richards S et al., PMID: 25741868), the clinical significance of this variant is uncertain at this time.

NM_019842.4(KCNQ5):c.359A>C (p.Glu120Ala)

Genes: KCNQ5 (potassium voltage-gated channel subfamily Q member 5; plus strand), KCNQ5-DT (KCNQ5 divergent transcript; minus strand). Cytogenetic location: 6q13.
Variant type: single nucleotide variant.
Coding change: c.359A>C on transcript NM_019842.4 (MANE Select); coding-DNA position 359, A replaced by C.
Protein change: p.Glu120Ala; replaces glutamic acid 120 with alanine.
Molecular consequence: missense variant. On other transcripts: non-coding transcript variant (1).
Genome position (GRCh38, 1-based): chr6:72,622,548, A>C. VCF-style: chr6-72622548-A-C. GRCh37 (hg19) VCF-style: chr6-73332276-A-C.
Other names: c.359A>C, p.Glu120Ala (NM_001160130.2, NM_001160132.2, NM_001160133.2 and 1 more transcripts); short protein forms E120A.
Identifiers: ClinVar variation 3600526 (VCV003600526.1).